The following is an entry in ClinVar:

ClinVar aggregate classification (germline): Pathogenic (1 of 4 stars; one submission).

Conditions:
Hereditary spastic paraplegia 11. Also called: Nakamura Osame syndrome; Autosomal recessive hereditary spastic paraplegia, mental impairment, and thin corpus callosum; SPASTIC PARAPLEGIA, AUTOSOMAL RECESSIVE, COMPLICATED, WITH THIN CORPUS CALLOSUM; SPASTIC PARAPLEGIA, AUTOSOMAL RECESSIVE, WITH MENTAL IMPAIRMENT AND THIN CORPUS CALLOSUM; Spastic Paraplegia 11; Spastic paraplegia, mental retardation and thin corpus callosum. Identifiers: Orphanet 2822, MedGen C1858479, MONDO:0011445, OMIM 604360.

Submission:

Labcorp Genetics (formerly Invitae), Labcorp
Classification: Pathogenic for Hereditary spastic paraplegia 11. Last evaluated: 2023-06-03. Review status: criteria provided, single submitter. Criteria: Invitae Variant Classification Sherloc (09022015). Collection method: clinical testing. Allele origin: germline.
Comment: This sequence change creates a premature translational stop signal (p.Glu797Leufs*23) in the SPG11 gene. It is expected to result in an absent or disrupted protein product. Loss-of-function variants in SPG11 are known to be pathogenic (PMID: 19105190, 20110243, 22154821, 26556829). This variant is not present in population databases (gnomAD no frequency). This variant has not been reported in the literature in individuals affected with SPG11-related conditions. For these reasons, this variant has been classified as Pathogenic.

Literature cited by the submitters: PubMed 19105190; PubMed 20110243; PubMed 22154821; PubMed 26556829.

NM_025137.4(SPG11):c.2387_2388dup (p.Glu797fs)

Gene: SPG11 (SPG11 vesicle trafficking associated, spatacsin; minus strand). Cytogenetic location: 15q21.1.
Variant type: Duplication.
Coding change: c.2387_2388dup on transcript NM_025137.4 (MANE Select); coding-DNA positions 2387 to 2388, 2 bases duplicated (TT; older notation c.2387_2388dupTT).
Protein change: p.Glu797fs; shifts the reading frame from glutamic acid 797.
Molecular consequence: frameshift variant.
Genome position (GRCh38, 1-based): chr15:44,622,276-44,622,277, AA duplicated on the plus strand (TT on the coding strand, the reverse complement: SPG11 is on the minus strand). VCF-style (leftmost placement, unchanged base first): chr15-44622275-C-CAA. GRCh37 (hg19) VCF-style: chr15-44914473-C-CAA.
Other names: c.2387_2388dup, p.Glu797fs (NM_001160227.2, NM_001411132.1); short protein forms E797fs.
Identifiers: ClinVar variation 2806824 (VCV002806824.3), dbSNP rs2505558024, ClinGen allele CA2739278560.
Genomic context (GRCh38, chr15:44,622,275, plus strand): 5'-ACTACCTGGGAAATGACTGGATTTGCATATTTTCTTGGAAATGTCCCAAATAAAGCTTCT[C>CAA]AACTTGATGCACGAAGTCTATAGTTCTTTTCTCTTTTTCAGAAAAATAATTTTTTTCTTT-3'